The following is an entry in ClinVar:

ClinVar aggregate classification (germline): Uncertain significance. Review status: criteria provided, multiple submitters, no conflicts (2 of 4 stars). 2 submissions from 2 submitters: Uncertain significance (2). Last evaluated 2024-02-09.

Submissions (2):

Labcorp Genetics (formerly Invitae), Labcorp
Classification: Uncertain significance. Last evaluated: 2024-02-09. Review status: criteria provided, single submitter. Criteria: Invitae Variant Classification Sherloc (09022015). Collection method: clinical testing. Allele origin: germline.
Comment: This sequence change replaces threonine, which is neutral and polar, with asparagine, which is neutral and polar, at codon 414 of the ALPK3 protein (p.Thr414Asn). This variant is not present in population databases (gnomAD no frequency). This variant has not been reported in the literature in individuals affected with ALPK3-related conditions. ClinVar contains an entry for this variant (Variation ID: 1703975). An algorithm developed to predict the effect of missense changes on protein structure and function (PolyPhen-2) suggests that this variant is likely to be tolerated. In summary, the available evidence is currently insufficient to determine the role of this variant in disease. Therefore, it has been classified as a Variant of Uncertain Significance.

GeneDx
Classification: Uncertain significance. Last evaluated: 2022-02-28. Review status: criteria provided, single submitter. Criteria: GeneDx Variant Classification Process June 2021. Collection method: clinical testing. Allele origin: germline. Affected: yes.
Comment: Has not been previously published as pathogenic or benign to our knowledge; Not observed at significant frequency in large population cohorts (gnomAD); In silico analysis supports that this missense variant does not alter protein structure/function

NM_020778.5(ALPK3):c.635C>A (p.Thr212Asn)

Gene: ALPK3 (alpha kinase 3; plus strand). Cytogenetic location: 15q25.3.
Variant type: single nucleotide variant.
Coding change: c.635C>A on transcript NM_020778.5 (MANE Select); coding-DNA position 635, C replaced by A.
Protein change: p.Thr212Asn; replaces threonine 212 with asparagine.
Molecular consequence: missense variant.
Genome position (GRCh38, 1-based): chr15:84,839,914, C>A. VCF-style: chr15-84839914-C-A. GRCh37 (hg19) VCF-style: chr15-85383145-C-A.
Other names: short protein forms T212N.
Identifiers: ClinVar variation 1703975 (VCV001703975.5), dbSNP rs3803403, ClinGen allele CA273665167.
Genomic context (GRCh38, chr15:84,839,914, plus strand): 5'-AGCTGCGCGAGATCGAGCAGAGCTGGAAGCACGAGAAGGCGGTGCCTGGGGAGGTCGACA[C>A]TCTGCGCAAGCTCAGCCCCGACCGCTTCCAGCGAAAGCGGCGATTGAGCGGGGCTCAAGC-3'
Protein context (NP_065829.4, residues 202-222): HEKAVPGEVD[Thr212Asn]LRKLSPDRFQ